The following is an entry in ClinVar:

ClinVar aggregate classification (germline): Likely benign (1 of 4 stars; one submission).

Submission:

GeneDx
Classification: Likely benign. Last evaluated: 2016-03-07. Review status: criteria provided, single submitter. Criteria: GeneDx Variant Classification (06012015). Collection method: clinical testing. Allele origin: germline. Affected: yes.
Comment: This variant is considered likely benign or benign based on one or more of the following criteria: it is a conservative change, it occurs at a poorly conserved position in the protein, it is predicted to be benign by multiple in silico algorithms, and/or has population frequency not consistent with disease.

NM_001035.3(RYR2):c.10899A>G (p.Glu3633=)

Gene: RYR2 (ryanodine receptor 2; plus strand). Cytogenetic location: 1q43.
Variant type: single nucleotide variant.
Coding change: c.10899A>G on transcript NM_001035.3 (MANE Select); coding-DNA position 10899, A replaced by G.
Protein change: p.Glu3633=; no amino-acid change (glutamic acid 3633 retained).
Molecular consequence: synonymous variant.
Genome position (GRCh38, 1-based): chr1:237,730,320, A>G. VCF-style: chr1-237730320-A-G. GRCh37 (hg19) VCF-style: chr1-237893620-A-G.
Other names: c.10899A>G, p.Glu3633= (LRG_402t1).
Identifiers: ClinVar variation 384576 (VCV000384576.1), dbSNP rs1057521998, ClinGen allele CA16603624.
Genomic context (GRCh38, chr1:237,730,320, plus strand): 5'-GCATCGGGCTGTCAATCTCTTTCTTCAGGGATATGAAAAGTCTTGGATTGAAACAGAAGA[A>G]CATTACTTTGAAGATAAACTGATAGAAGATTTAGCAGTATGTTTTTAGTGGGGCTCTAAG-3'
Protein context (NP_001026.2, residues 3623-3643): GYEKSWIETE[Glu3633=]HYFEDKLIED